The following is an entry in ClinVar:

NM_144687.4(NLRP12):c.1851G>C (p.Leu617Phe)

Gene: NLRP12 (NLR family pyrin domain containing 12; minus strand). Cytogenetic location: 19q13.42.
Variant type: single nucleotide variant.
Coding change: c.1851G>C on transcript NM_144687.4 (MANE Select); coding-DNA position 1851, G replaced by C.
Protein change: p.Leu617Phe; replaces leucine 617 with phenylalanine.
Molecular consequence: missense variant.
Genome position (GRCh38, 1-based): chr19:53,809,808, C>G on the plus strand (G>C on the coding strand, the complement: NLRP12 is on the minus strand). VCF-style: chr19-53809808-C-G. GRCh37 (hg19) VCF-style: chr19-54313062-C-G.
Other names: c.1851G>C, p.Leu617Phe (NM_001277126.2, NM_001277129.1); short protein forms L617F.
Identifiers: ClinVar variation 536930 (VCV000536930.8), dbSNP rs1179439001, ClinGen allele CA407412333.

ClinVar aggregate classification (germline): Uncertain significance (1 of 4 stars; one submission).

Conditions:
Familial cold autoinflammatory syndrome 2 (FCAS2). Identifiers: Orphanet 247868, MedGen C2673198, MONDO:0012724, OMIM 611762.

gnomAD v4.1: 1 of 1,614,116 alleles (0.000062%); highest among the groups gnomAD compares: Non-Finnish European, 0.000085%; no homozygotes.

Submission:

Labcorp Genetics (formerly Invitae), Labcorp
Classification: Uncertain significance for Familial cold autoinflammatory syndrome 2. Last evaluated: 2024-10-14. Review status: criteria provided, single submitter. Criteria: Invitae Variant Classification Sherloc (09022015). Collection method: clinical testing. Allele origin: germline.
Comment: This sequence change replaces leucine, which is neutral and non-polar, with phenylalanine, which is neutral and non-polar, at codon 617 of the NLRP12 protein (p.Leu617Phe). This variant is not present in population databases (gnomAD no frequency). This variant has not been reported in the literature in individuals affected with NLRP12-related conditions. ClinVar contains an entry for this variant (Variation ID: 536930). Invitae Evidence Modeling of protein sequence and biophysical properties (such as structural, functional, and spatial information, amino acid conservation, physicochemical variation, residue mobility, and thermodynamic stability) has been performed for this missense variant. However, the output from this modeling did not meet the statistical confidence thresholds required to predict the impact of this variant on NLRP12 protein function. In summary, the available evidence is currently insufficient to determine the role of this variant in disease. Therefore, it has been classified as a Variant of Uncertain Significance.